The following is an entry in ClinVar:

ClinVar aggregate classification (germline): Pathogenic (1 of 4 stars; one submission).

Submission:

Labcorp Genetics (formerly Invitae), Labcorp
Classification: Pathogenic. Last evaluated: 2021-12-25. Review status: criteria provided, single submitter. Criteria: Invitae Variant Classification Sherloc (09022015). Collection method: clinical testing. Allele origin: germline.
Comment: This premature translational stop signal has been observed in individual(s) with optic atrophy (PMID: 17722006). For these reasons, this variant has been classified as Pathogenic. This variant is not present in population databases (gnomAD no frequency). This sequence change creates a premature translational stop signal (p.Gln427*) in the OPA1 gene. It is expected to result in an absent or disrupted protein product. Loss-of-function variants in OPA1 are known to be pathogenic (PMID: 11440988, 20157015, 20952381, 25012220).

Literature cited by the submitters: PubMed 17722006; PubMed 11440988; PubMed 20157015; PubMed 20952381; PubMed 25012220.

NM_130837.3(OPA1):c.1444C>T (p.Gln482Ter)

Gene: OPA1 (OPA1 mitochondrial dynamin like GTPase; plus strand). Cytogenetic location: 3q29.
Variant type: single nucleotide variant.
Coding change: c.1444C>T on transcript NM_130837.3 (MANE Select); coding-DNA position 1444, C replaced by T.
Protein change: p.Gln482Ter; replaces glutamine 482 with a stop codon.
Molecular consequence: nonsense.
Genome position (GRCh38, 1-based): chr3:193,643,594, C>T. VCF-style: chr3-193643594-C-T. GRCh37 (hg19) VCF-style: chr3-193361383-C-T.
Other names: c.1390C>T, p.Gln464Ter (NM_130836.3); c.910C>T, p.Gln304Ter (NM_001354663.2); c.907C>T, p.Gln303Ter (NM_001354664.2); c.1279C>T, p.Gln427Ter (NM_015560.3); c.1171C>T, p.Gln391Ter (NM_130831.3); c.1225C>T, p.Gln409Ter (NM_130832.3); c.1282C>T, p.Gln428Ter (NM_130833.3); c.1333C>T, p.Gln445Ter (NM_130834.3); and 1 more; short protein forms Q446*, Q427*, Q445*, Q303*, Q304*, Q409*, Q428*, Q464*.
Identifiers: ClinVar variation 2203481 (VCV002203481.4), dbSNP rs771512430, ClinGen allele CA355789599.